The following is an entry in ClinVar:

NM_000059.4(BRCA2):c.8609del (p.Gln2870fs)

Gene: BRCA2 (BRCA2 DNA repair associated; plus strand). Cytogenetic location: 13q13.1.
Variant type: Deletion.
Coding change: c.8609del on transcript NM_000059.4 (MANE Select); coding-DNA position 8609, one base deleted (A; older notation c.8609delA).
Protein change: p.Gln2870fs; shifts the reading frame from glutamine 2870.
Molecular consequence: frameshift variant. On other transcripts: non-coding transcript variant (1).
Genome position (GRCh38, 1-based): chr13:32,371,077, A deleted. VCF-style (leftmost placement, unchanged base first): chr13-32371076-CA-C. GRCh37 (hg19) VCF-style: chr13-32945213-CA-C.
Other names: c.8513del, p.Gln2838fs (NM_001406719.1); c.8609del, p.Gln2870fs (NM_001406720.1, NM_001432077.1); c.3677del, p.Gln1226fs (NM_001406721.1); c.2192del, p.Gln731fs (NM_001406722.1); short protein forms Q1226fs, Q2838fs, Q2870fs, Q731fs.
Identifiers: ClinVar variation 4876031 (VCV004876031.1).

ClinVar aggregate classification (germline): Pathogenic (1 of 4 stars; one submission).

Conditions:
Breast-ovarian cancer, familial, susceptibility to, 2 (BROVCA2). Also called: BRCA2 Hereditary Breast and Ovarian Cancer. Identifiers: Orphanet 145, MedGen C2675520, MONDO:0012933, OMIM 612555. Disease mechanism: loss of function.

Submission:

Myriad Genetics, Inc.
Classification: Pathogenic for Breast-ovarian cancer, familial, susceptibility to, 2. Last evaluated: 2026-05-05. Review status: criteria provided, single submitter. Criteria: Myriad Autosomal Dominant, Autosomal Recessive and X-Linked Classification Criteria (2023). Collection method: clinical testing. Allele origin: unknown.
Comment: This variant is considered pathogenic. This variant creates a frameshift predicted to result in premature protein truncation.